The following is an entry in ClinVar:

ClinVar aggregate classification (germline): Uncertain significance (1 of 4 stars; one submission).

Allele frequency attached by ClinVar (database versions not stated): gnomAD exomes 0.00005 and 0.00012; TOPMed 0.00006; ESP Exome Variant Server 0.00008; ExAC 0.00021.
gnomAD v4.1: 98 of 1,614,076 alleles (0.0061%); highest among the groups gnomAD compares: South Asian, 0.019%; 1 homozygote.

Submission:

Labcorp Genetics (formerly Invitae), Labcorp
Classification: Uncertain significance. Last evaluated: 2022-09-12. Review status: criteria provided, single submitter. Criteria: Invitae Variant Classification Sherloc (09022015). Collection method: clinical testing. Allele origin: germline.
Comment: This sequence change replaces alanine, which is neutral and non-polar, with threonine, which is neutral and polar, at codon 833 of the ADAMTS18 protein (p.Ala833Thr). This variant is present in population databases (rs375093710, gnomAD 0.02%). This variant has not been reported in the literature in individuals affected with ADAMTS18-related conditions. ClinVar contains an entry for this variant (Variation ID: 1041779). Algorithms developed to predict the effect of missense changes on protein structure and function are either unavailable or do not agree on the potential impact of this missense change (SIFT: "Not Available"; PolyPhen-2: "Possibly Damaging"; Align-GVGD: "Not Available"). In summary, the available evidence is currently insufficient to determine the role of this variant in disease. Therefore, it has been classified as a Variant of Uncertain Significance.

NM_199355.4(ADAMTS18):c.2497G>A (p.Ala833Thr)

Gene: ADAMTS18 (ADAM metallopeptidase with thrombospondin type 1 motif 18; minus strand). Cytogenetic location: 16q23.1.
Variant type: single nucleotide variant.
Coding change: c.2497G>A on transcript NM_199355.4 (MANE Select); coding-DNA position 2497, G replaced by A.
Protein change: p.Ala833Thr; replaces alanine 833 with threonine.
Molecular consequence: missense variant.
Genome position (GRCh38, 1-based): chr16:77,319,884, C>T on the plus strand (G>A on the coding strand, the complement: ADAMTS18 is on the minus strand). VCF-style: chr16-77319884-C-T. GRCh37 (hg19) VCF-style: chr16-77353781-C-T.
Other names: c.1981G>A, p.Ala661Thr (NM_001326358.2); short protein forms A661T, A833T.
Identifiers: ClinVar variation 1041779 (VCV001041779.7), dbSNP rs375093710, ClinGen allele CA8180889.